The following is an entry in ClinVar:

ClinVar aggregate classification (germline): Uncertain significance (1 of 4 stars; one submission).

Allele frequency attached by ClinVar (database versions not stated): gnomAD exomes below 0.00001; TOPMed below 0.00001; gnomAD 0.00001.
gnomAD v4.1: 3 of 1,595,616 alleles (0.00019%); highest among the groups gnomAD compares: Admixed American, 0.005%; no homozygotes.

Submission:

Labcorp Genetics (formerly Invitae), Labcorp
Classification: Uncertain significance. Last evaluated: 2021-12-13. Review status: criteria provided, single submitter. Criteria: Invitae Variant Classification Sherloc (09022015). Collection method: clinical testing. Allele origin: germline.
Comment: In summary, the available evidence is currently insufficient to determine the role of this variant in disease. Therefore, it has been classified as a Variant of Uncertain Significance. Algorithms developed to predict the effect of missense changes on protein structure and function are either unavailable or do not agree on the potential impact of this missense change (SIFT: "Tolerated"; PolyPhen-2: "Possibly Damaging"; Align-GVGD: "Class C15"). This variant has not been reported in the literature in individuals affected with PDE6C-related conditions. This variant is not present in population databases (gnomAD no frequency). This sequence change replaces threonine, which is neutral and polar, with alanine, which is neutral and non-polar, at codon 640 of the PDE6C protein (p.Thr640Ala).

NM_006204.4(PDE6C):c.1918A>G (p.Thr640Ala)

Gene: PDE6C (phosphodiesterase 6C; plus strand). Cytogenetic location: 10q23.33.
Variant type: single nucleotide variant.
Coding change: c.1918A>G on transcript NM_006204.4 (MANE Select); coding-DNA position 1918, A replaced by G.
Protein change: p.Thr640Ala; replaces threonine 640 with alanine.
Molecular consequence: missense variant.
Genome position (GRCh38, 1-based): chr10:93,646,030, A>G. VCF-style: chr10-93646030-A-G. GRCh37 (hg19) VCF-style: chr10-95405787-A-G.
Other names: short protein forms T640A.
Identifiers: ClinVar variation 1927188 (VCV001927188.5), dbSNP rs2058582615, ClinGen allele CA377621136.